The following is an entry in ClinVar:

NM_000169.3(GLA):c.605G>C (p.Cys202Ser)

Genes: GLA (galactosidase alpha; minus strand), RPL36A-HNRNPH2 (RPL36A-HNRNPH2 readthrough; plus strand). Cytogenetic location: Xq22.1.
Variant type: single nucleotide variant.
Coding change: c.605G>C on transcript NM_000169.3 (MANE Select); coding-DNA position 605, G replaced by C.
Protein change: p.Cys202Ser; replaces cysteine 202 with serine.
Molecular consequence: missense variant. On other transcripts: non-coding transcript variant (2), intron variant (2).
Genome position (GRCh38, 1-based): chrX:101,400,700, C>G on the plus strand (G>C on the coding strand, the complement: GLA is on the minus strand). VCF-style: chrX-101400700-C-G. GRCh37 (hg19) VCF-style: chrX-100655688-C-G.
Other names: c.728G>C, p.Cys243Ser (NM_001406747.1); c.605G>C, p.Cys202Ser (NM_001406748.1); c.300+5243C>G (NM_001199973.2); c.177+8878C>G (NM_001199974.2); short protein forms C202S, C243S.
Identifiers: ClinVar variation 1466492 (VCV001466492.6), dbSNP rs869312344, ClinGen allele CA413927355.

ClinVar aggregate classification (germline): Likely pathogenic (1 of 4 stars; one submission).

Conditions:
Fabry disease. Also called: CERAMIDE TRIHEXOSIDASE DEFICIENCY; GLA DEFICIENCY; HEREDITARY DYSTOPIC LIPIDOSIS; Fabry's disease; ALPHA-GALACTOSIDASE A DEFICIENCY; ANDERSON-FABRY DISEASE. Identifiers: Orphanet 324, MedGen C0002986, MONDO:0010526, OMIM 301500, HP:0001071. Disease mechanism: Fabry disease is due to inactivating mutations in the X-linked GLA gene resulting in deficiency of the enzyme Alpha Galactosidase-A., loss of function.

Allele frequency attached by ClinVar (database versions not stated): gnomAD exomes below 0.00001 and 0.00001.
gnomAD v4.1: 1 of 1,191,267 alleles (0.000084%); highest among the groups gnomAD compares: East Asian, 0.003%; no homozygotes.

Submission:

Labcorp Genetics (formerly Invitae), Labcorp
Classification: Likely pathogenic for Fabry disease. Last evaluated: 2022-08-27. Review status: criteria provided, single submitter. Criteria: Invitae Variant Classification Sherloc (09022015). Collection method: clinical testing. Allele origin: germline.
Comment: In summary, the currently available evidence indicates that the variant is pathogenic, but additional data are needed to prove that conclusively. Therefore, this variant has been classified as Likely Pathogenic. This variant disrupts the p.Cys202 amino acid residue in GLA. Other variant(s) that disrupt this residue have been determined to be pathogenic (PMID: 9100224, 19387866, 23935525; Invitae). This suggests that this residue is clinically significant, and that variants that disrupt this residue are likely to be disease-causing. Algorithms developed to predict the effect of sequence changes on RNA splicing suggest that this variant may disrupt the consensus splice site. Algorithms developed to predict the effect of missense changes on protein structure and function (SIFT, PolyPhen-2, Align-GVGD) all suggest that this variant is likely to be disruptive. ClinVar contains an entry for this variant (Variation ID: 1466492). This missense change has been observed in individual(s) with Fabry disease (Invitae). This variant is not present in population databases (gnomAD no frequency). This sequence change replaces cysteine, which is neutral and slightly polar, with serine, which is neutral and polar, at codon 202 of the GLA protein (p.Cys202Ser).

Literature cited by the submitters: PubMed 9100224; PubMed 19387866; PubMed 23935525.